The following is an entry in ClinVar:

ClinVar aggregate classification (germline): Benign/Likely benign. Review status: criteria provided, multiple submitters, no conflicts (2 of 4 stars). 5 submissions from 4 submitters: Benign (3); Likely benign (1). 1 of the submissions does not count toward it. Last evaluated 2026-01-13.

Conditions:
Brain small vessel disease 1 with or without ocular anomalies (BSVD1). Also called: PORENCEPHALY, TYPE 1, AUTOSOMAL DOMINANT; Brain small vessel disease with or without ocular anomalies; GOULD SYNDROME 1; BRAIN SMALL VESSEL DISEASE WITH HEMORRHAGE. Identifiers: Orphanet 2940, Orphanet 36383, Orphanet 99810, MedGen C4755307, MONDO:0008289, OMIM 175780.
COL4A1-related disorder. Also called: COL4A1-related disorders; COL4A1-related condition. Identifiers: MedGen CN376119, MONDO:0800461.
Autosomal dominant familial hematuria-retinal arteriolar tortuosity-contractures syndrome. Also called: Hereditary Angiopathy with Nephropathy, Aneurysms, and Muscle Cramps (HANAC) Syndrome; Angiopathy, hereditary, with nephropathy, aneurysms, and muscle cramps. Identifiers: Orphanet 73229, MedGen C2673195, MONDO:0012726, OMIM 611773.

Allele frequency attached by ClinVar (database versions not stated): 1000 Genomes Project 30x 0.00016; 1000 Genomes Project 0.00020; ESP Exome Variant Server 0.00031; gnomAD 0.00048; TOPMed 0.00049.
gnomAD v4.1: 340 of 1,614,188 alleles (0.021%); highest among the groups gnomAD compares: East Asian, 0.24%; 4 homozygotes.

Submissions (5):

Labcorp Genetics (formerly Invitae), Labcorp
Classification: Benign. Last evaluated: 2026-01-13. Review status: criteria provided, single submitter. Criteria: Invitae Variant Classification Sherloc (09022015). Collection method: clinical testing. Allele origin: germline.

Blueprint Genetics
Classification: Likely benign. Last evaluated: 2024-11-25. Review status: criteria provided, single submitter. Criteria: ACMG Guidelines, 2015. Collection method: clinical testing. Allele origin: germline.

Illumina Laboratory Services, Illumina
Classification: Benign for Brain small vessel disease 1 with or without ocular anomalies. Last evaluated: 2018-01-13. Review status: criteria provided, single submitter. Criteria: ICSL Variant Classification Criteria 13 December 2019. Collection method: clinical testing. Allele origin: germline.
Comment: This variant was observed in the ICSL laboratory as part of a predisposition screen in an ostensibly healthy population. It had not been previously curated by ICSL or reported in the Human Gene Mutation Database (HGMD: prior to June 1st, 2018), and was therefore a candidate for classification through an automated scoring system. Utilizing variant allele frequency, disease prevalence and penetrance estimates, and inheritance mode, an automated score was calculated to assess if this variant is too frequent to cause the disease. Based on the score and internal cut-off values, a variant classified as benign is not then subjected to further curation. The score for this variant resulted in a classification of benign for this disease.

Illumina Laboratory Services, Illumina
Classification: Benign for Autosomal dominant familial hematuria-retinal arteriolar tortuosity-contractures syndrome. Last evaluated: 2018-01-13. Review status: criteria provided, single submitter. Criteria: ICSL Variant Classification Criteria 13 December 2019. Collection method: clinical testing. Allele origin: germline.
Comment: the same text as in the submission from Illumina Laboratory Services, Illumina above.

PreventionGenetics, part of Exact Sciences
Classification: Likely benign for COL4A1-related condition. Last evaluated: 2020-03-02. Review status: no assertion criteria provided. Collection method: clinical testing. Allele origin: germline. Not counted in ClinVar's aggregate classification.
Comment: This variant is classified as likely benign based on ACMG/AMP sequence variant interpretation guidelines (Richards et al. 2015 PMID: 25741868, with internal and published modifications).

NM_001845.6(COL4A1):c.3198+10G>A

Gene: COL4A1 (collagen type IV alpha 1 chain; minus strand). Cytogenetic location: 13q34.
Variant type: single nucleotide variant.
Coding change: c.3198+10G>A on transcript NM_001845.6 (MANE Select); 10 bases into the intron after coding-DNA position 3198, G replaced by A.
Molecular consequence: intron variant.
Genome position (GRCh38, 1-based): chr13:110,175,208, C>T on the plus strand (G>A on the coding strand, the complement: COL4A1 is on the minus strand). VCF-style: chr13-110175208-C-T. GRCh37 (hg19) VCF-style: chr13-110827555-C-T.
Identifiers: ClinVar variation 311043 (VCV000311043.21), dbSNP rs202002553, ClinGen allele CA7047358.